The following is an entry in ClinVar:

ClinVar aggregate classification (germline): Uncertain significance (1 of 4 stars; one submission).

Submission:

Labcorp Genetics (formerly Invitae), Labcorp
Classification: Uncertain significance. Last evaluated: 2025-10-19. Review status: criteria provided, single submitter. Criteria: Invitae Variant Classification Sherloc (09022015). Collection method: clinical testing. Allele origin: germline.
Comment: This sequence change replaces glutamine, which is neutral and polar, with arginine, which is basic and polar, at codon 74 of the COQ8B protein (p.Gln74Arg). This variant is not present in population databases (gnomAD no frequency). This variant has not been reported in the literature in individuals affected with COQ8B-related conditions. An algorithm developed to predict the effect of missense changes on protein structure and function (PolyPhen-2) suggests that this variant is likely to be tolerated. Algorithms developed to predict the effect of sequence changes on RNA splicing suggest that this variant may disrupt the consensus splice site. In summary, the available evidence is currently insufficient to determine the role of this variant in disease. Therefore, it has been classified as a Variant of Uncertain Significance.

NM_024876.4(COQ8B):c.221A>G (p.Gln74Arg)

Gene: COQ8B (coenzyme Q8B; minus strand). Cytogenetic location: 19q13.2.
Variant type: single nucleotide variant.
Coding change: c.221A>G on transcript NM_024876.4 (MANE Select); coding-DNA position 221, A replaced by G.
Protein change: p.Gln74Arg; replaces glutamine 74 with arginine.
Molecular consequence: missense variant.
Genome position (GRCh38, 1-based): chr19:40,714,279, T>C on the plus strand (A>G on the coding strand, the complement: COQ8B is on the minus strand). VCF-style: chr19-40714279-T-C. GRCh37 (hg19) VCF-style: chr19-41220184-T-C.
Other names: c.221A>G, p.Gln74Arg (NM_001142555.3); short protein forms Q74R.
Identifiers: ClinVar variation 4804164 (VCV004804164.1).